The following is an entry in ClinVar:

NM_003823.4(TNFRSF6B):c.679A>G (p.Lys227Glu)

Genes: RTEL1-TNFRSF6B (RTEL1-TNFRSF6B readthrough (NMD candidate); plus strand), TNFRSF6B (TNF receptor superfamily member 6b; plus strand). Cytogenetic location: 20q13.33.
Variant type: single nucleotide variant.
Coding change: c.679A>G on transcript NM_003823.4 (MANE Select); coding-DNA position 679, A replaced by G.
Protein change: p.Lys227Glu; replaces lysine 227 with glutamic acid.
Molecular consequence: missense variant. On other transcripts: non-coding transcript variant (1).
Genome position (GRCh38, 1-based): chr20:63,698,339, A>G. VCF-style: chr20-63698339-A-G. GRCh37 (hg19) VCF-style: chr20-62329692-A-G.
Other names: short protein forms K227E.
Identifiers: ClinVar variation 2014385 (VCV002014385.4), dbSNP rs2517227923, ClinGen allele CA409711959.

ClinVar aggregate classification (germline): Uncertain significance (1 of 4 stars; one submission).

Allele frequency attached by ClinVar (database versions not stated): gnomAD exomes 0.00001.

Submission:

Labcorp Genetics (formerly Invitae), Labcorp
Classification: Uncertain significance. Last evaluated: 2025-07-29. Review status: criteria provided, single submitter. Criteria: Invitae Variant Classification Sherloc (09022015). Collection method: clinical testing. Allele origin: germline.
Comment: This sequence change replaces lysine, which is basic and polar, with glutamic acid, which is acidic and polar, at codon 227 of the TNFRSF6B protein (p.Lys227Glu). This variant is not present in population databases (gnomAD no frequency). This variant has not been reported in the literature in individuals affected with TNFRSF6B-related conditions. ClinVar contains an entry for this variant (Variation ID: 2014385). An algorithm developed to predict the effect of missense changes on protein structure and function (PolyPhen-2) suggests that this variant is likely to be disruptive. In summary, the available evidence is currently insufficient to determine the role of this variant in disease. Therefore, it has been classified as a Variant of Uncertain Significance.